The following is an entry in ClinVar:

ClinVar aggregate classification (germline): Uncertain significance. Review status: criteria provided, multiple submitters, no conflicts (2 of 4 stars). 2 submissions from 2 submitters: Uncertain significance (2). Last evaluated 2025-06-15.

Conditions:
EPHB4-related disorder. Also called: EPHB4-related disorders; EPHB4-related condition.
Cardiovascular phenotype. Identifiers: MedGen CN230736.

gnomAD v4.1: 26 of 1,575,464 alleles (0.0017%); highest among the groups gnomAD compares: Middle Eastern, 0.033%; 1 homozygote.

Submissions (2):

Ambry Genetics
Classification: Uncertain significance for Cardiovascular phenotype. Last evaluated: 2025-06-15. Review status: criteria provided, single submitter. Criteria: Ambry Variant Classification Scheme 2023. Collection method: clinical testing. Allele origin: germline.
Comment: The p.P983L variant (also known as c.2948C>T), located in coding exon 17 of the EPHB4 gene, results from a C to T substitution at nucleotide position 2948. The proline at codon 983 is replaced by leucine, an amino acid with similar properties. This amino acid position is conserved. In addition, this alteration is predicted to be tolerated by in silico analysis. Since supporting evidence is limited at this time, the clinical significance of this alteration remains unclear.

PreventionGenetics, part of Exact Sciences
Classification: Uncertain significance for EPHB4-related condition. Last evaluated: 2023-06-08. Review status: criteria provided, single submitter. Criteria: ACMG Guidelines, 2015. Collection method: clinical testing. Allele origin: germline.
Comment: The EPHB4 c.2948C>T variant is predicted to result in the amino acid substitution p.Pro983Leu. To our knowledge, this variant has not been reported in the literature. This variant is reported in 0.0022% of alleles in individuals of European (Non-Finnish) descent in gnomAD. At this time, the clinical significance of this variant is uncertain due to the absence of conclusive functional and genetic evidence.

NM_004444.5(EPHB4):c.2948C>T (p.Pro983Leu)

Gene: EPHB4 (EPH receptor B4; minus strand). Cytogenetic location: 7q22.1.
Variant type: single nucleotide variant.
Coding change: c.2948C>T on transcript NM_004444.5 (MANE Select); coding-DNA position 2948, C replaced by T.
Protein change: p.Pro983Leu; replaces proline 983 with leucine.
Molecular consequence: missense variant.
Genome position (GRCh38, 1-based): chr7:100,803,477, G>A on the plus strand (C>T on the coding strand, the complement: EPHB4 is on the minus strand). VCF-style: chr7-100803477-G-A. GRCh37 (hg19) VCF-style: chr7-100401099-G-A.
Other names: short protein forms P983L.
Identifiers: ClinVar variation 1797991 (VCV001797991.4), dbSNP rs768926072, ClinGen allele CA4392474.